The following continues an entry in ClinVar:

NM_000053.4(ATP7B):c.2755C>G (p.Arg919Gly)

Gene: ATP7B. ClinVar aggregate classification (germline): Pathogenic. Pathogenic (11).

Submissions 9 to 14 of 14:

Genetic Services Laboratory, University of Chicago
Classification: Pathogenic. Last evaluated: 2020-03-09. Review status: criteria provided, single submitter. Criteria: ACMG Guidelines, 2015. Collection method: clinical testing. Allele origin: germline. Affected: yes.
Comment: DNA sequence analysis of the ATP7B gene demonstrated a sequence change, c.2755C>G, in exon 12 that results in an amino acid change, p.Arg919Gly. This sequence change has been described in the gnomAD database with a low population frequency of 0.056% in the East Asian population (dbSNP rs121907993). This sequence change has previously been described in multiple patient with Wilson disease in both homozygous and compound heterozygous state (PMID: 21796144,17680703,12376745). The p.Arg919Gly change affects a moderately conserved amino acid residue located in a domain of the ATP7B protein that is known to be functional. The p.Arg919Gly substitution appears to be deleterious using several in-silico pathogenicity prediction tools (SIFT, PolyPhen2, Align GVGD, REVEL). These collective evidences indicate that this sequence change is pathogenic, however functional studies have not been performed to prove this conclusively.

Women's Health and Genetics/Laboratory Corporation of America, LabCorp
Classification: Pathogenic for Wilson disease. Last evaluated: 2016-03-31. Review status: criteria provided, single submitter. Criteria: LabCorp Variant Classification Summary - May 2015. Collection method: clinical testing. Allele origin: germline.
Comment: Variant Summary: The variant of interest causes a missense change involving a conserved nucleotide with 5/5 in silico programs predicting a "deleterious" effect. The variant of interest was observed in the large, broad control population of ExAC with an allele frequency of 2/119980 (1/59990), predominantly in East Asians, 2/8592 (1/4296), which does not exceed the predicted maximum expected allele frequency for a pathogenic ATP7B variant of 1/185. The variant of interest has been reported in multiple affected individuals via publications in both homozygousand compound heterozygous states. A functional study does implicate the variant to negatively affect wild type function. In addition, a reputable clinical laboratory cites the variant as "likely pathogenic." Therefore, taking all available lines of evidence into consideration, the variant of interest is classified as Pathogenic.

Juno Genomics, Hangzhou Juno Genomics, Inc
Classification: Pathogenic for Wilson disease. Review status: criteria provided, single submitter. Criteria: ACMG Guidelines, 2015. Collection method: clinical testing. Allele origin: germline.
Comment: For recessive disorders, detected in trans with a pathogenic variant.;Patient's phenotype or family history is highly specific for a disease with a single genetic etiology.;Co-segregation with disease in multiple affected family members.;Multiple lines of computational evidence support a deleterious effect on the gene or gene product.;Novel missense change at an amino acid residue where a different missense change determined to be pathogenic has been seen before.

Counsyl
Classification: Pathogenic for Wilson disease. Last evaluated: 2016-07-09. Review status: no assertion criteria provided. Collection method: clinical testing. Allele origin: unknown. Not counted in ClinVar's aggregate classification.

OMIM
Classification: Pathogenic for WILSON DISEASE. Last evaluated: 2002-01-01. Review status: no assertion criteria provided. Collection method: literature only. Allele origin: germline. Not counted in ClinVar's aggregate classification.

Chongqing Key Laboratory of Child Rare Diseases in Infection and Immunity, Children’s Hospital of Chongqing Medical University
Classification: Uncertain significance for Wilson disease. Last evaluated: 2024-01-01. Review status: flagged submission. Criteria: ACMG Guidelines, 2015. Collection method: clinical testing. Allele origin: germline. Inheritance: Autosomal recessive inheritance. Affected: yes. Not counted in ClinVar's aggregate classification.
Comment: Classified as Uncertain significance according to the ACMG/AMP 2015 guidelines (PMID:25741868). The classification was based on the available submitted evidence for Wilson disease (OMIM:277900), including clinical-testing observations, variant consequence/protein annotation, and published or ClinVar evidence where available. Supporting information considered: variant annotation: p.Arg919Gly; Missense; Protein domain: P-domain-enriched; submitted notation: NM_000053.4:c.2755C>G (p.Arg919Gly); source variant type: Missense; source domain: P-domain-enriched; allele count n=230: 5.
ClinVar note: Reason: Outlier claim with insufficient supporting evidence

Literature cited by the submitters: PubMed 34324271 (cited by Natera, Inc. and Ambry Genetics); PubMed 17517077 (cited by 3 submitters); PubMed 12376745 (cited by 8 submitters); PubMed 11479773 (cited by Natera, Inc.); PubMed 23219664 (cited by Variantyx, Inc.); PubMed 25089800 (cited by Variantyx, Inc.); PubMed 29637721 (cited by Variantyx, Inc. and Ambry Genetics); PubMed 21796144 (cited by 7 submitters); PubMed 37020998 (cited by Variantyx, Inc.); PubMed 35245129 (cited by 3 submitters); PubMed 17680703 (cited by Labcorp Genetics (formerly Invitae), Labcorp); PubMed 26032686 (cited by 5 submitters); PubMed 23235335 (cited by 5 submitters); PubMed 25704634 (cited by 4 submitters); PubMed 27398169 (cited by Ambry Genetics); PubMed 28212618 (cited by Ambry Genetics); PubMed 33763395 (cited by Ambry Genetics); PubMed 35220961 (cited by Ambry Genetics); PubMed 35222532 (cited by Ambry Genetics); PubMed 9452121 (cited by 3 submitters); PubMed 10453196 (cited by 3 submitters); PubMed 10790207 (cited by 3 submitters); PubMed 11405812 (cited by 3 submitters); PubMed 14986826 (cited by 4 submitters); PubMed 16998622 (cited by 3 submitters); PubMed 17587212 (cited by 4 submitters); PubMed 18034201 (cited by 4 submitters); PubMed 20453399 (cited by All of Us Research Program, National Institutes of Health and Color Diagnostics, LLC DBA Color Health); PubMed 22940187 (cited by 3 submitters); PubMed 23275100 (cited by 3 submitters); PubMed 24718822 (cited by All of Us Research Program, National Institutes of Health and Color Diagnostics, LLC DBA Color Health); PubMed 25130000 (cited by All of Us Research Program, National Institutes of Health and Color Diagnostics, LLC DBA Color Health); PubMed 26807378 (cited by All of Us Research Program, National Institutes of Health and Color Diagnostics, LLC DBA Color Health); PubMed 27022412 (cited by All of Us Research Program, National Institutes of Health and Color Diagnostics, LLC DBA Color Health); PubMed 29930488 (cited by All of Us Research Program, National Institutes of Health and Color Diagnostics, LLC DBA Color Health); PubMed 31172689 (cited by All of Us Research Program, National Institutes of Health and Color Diagnostics, LLC DBA Color Health); PubMed 33879678 (cited by All of Us Research Program, National Institutes of Health and Color Diagnostics, LLC DBA Color Health); PubMed 34240825 (cited by All of Us Research Program, National Institutes of Health and Color Diagnostics, LLC DBA Color Health); PubMed 20931554 (cited by Counsyl).